The following is an entry in ClinVar:

ClinVar aggregate classification (germline): Uncertain significance (1 of 4 stars; one submission).

Conditions:
Hereditary spastic paraplegia 64. Also called: Spastic paraplegia 64, autosomal recessive; ENTPD1-Related Neurodevelopmental Disorder. Identifiers: Orphanet 401810, MedGen C3810289, MONDO:0014303, OMIM 615683.

Allele frequency attached by ClinVar (database versions not stated): TOPMed below 0.00001; gnomAD 0.00001; gnomAD exomes 0.00002; ExAC 0.00003.
gnomAD v4.1: 24 of 1,614,092 alleles (0.0015%); highest among the groups gnomAD compares: Non-Finnish European, 0.0019%; no homozygotes.

Submission:

Labcorp Genetics (formerly Invitae), Labcorp
Classification: Uncertain significance for Hereditary spastic paraplegia 64. Last evaluated: 2024-12-02. Review status: criteria provided, single submitter. Criteria: Invitae Variant Classification Sherloc (09022015). Collection method: clinical testing. Allele origin: germline.
Comment: This sequence change replaces arginine, which is basic and polar, with cysteine, which is neutral and slightly polar, at codon 240 of the ENTPD1 protein (p.Arg240Cys). This variant is present in population databases (rs779235232, gnomAD 0.003%). This variant has not been reported in the literature in individuals affected with ENTPD1-related conditions. ClinVar contains an entry for this variant (Variation ID: 2086341). Invitae Evidence Modeling of protein sequence and biophysical properties (such as structural, functional, and spatial information, amino acid conservation, physicochemical variation, residue mobility, and thermodynamic stability) indicates that this missense variant is expected to disrupt ENTPD1 protein function with a positive predictive value of 80%. In summary, the available evidence is currently insufficient to determine the role of this variant in disease. Therefore, it has been classified as a Variant of Uncertain Significance.

NM_001776.6(ENTPD1):c.718C>T (p.Arg240Cys)

Genes: ENTPD1 (ectonucleoside triphosphate diphosphohydrolase 1; plus strand), ENTPD1-AS1 (ENTPD1 antisense RNA 1; minus strand). Cytogenetic location: 10q24.1.
Variant type: single nucleotide variant.
Coding change: c.718C>T on transcript NM_001776.6 (MANE Select); coding-DNA position 718, C replaced by T.
Protein change: p.Arg240Cys; replaces arginine 240 with cysteine.
Molecular consequence: missense variant.
Genome position (GRCh38, 1-based): chr10:95,845,501, C>T. VCF-style: chr10-95845501-C-T. GRCh37 (hg19) VCF-style: chr10-97605258-C-T.
Other names: c.739C>T, p.Arg247Cys (NM_001098175.2); c.754C>T, p.Arg252Cys (NM_001164178.1, NM_001320916.1); c.718C>T, p.Arg240Cys (NM_001164179.2); c.394C>T, p.Arg132Cys (NM_001164181.1, NM_001312654.1); c.304C>T, p.Arg102Cys (NM_001164182.2, NM_001164183.2); short protein forms R240C, R132C, R252C, R102C, R247C.
Identifiers: ClinVar variation 2086341 (VCV002086341.3), dbSNP rs779235232, ClinGen allele CA5621454.